The following is an entry in ClinVar:

NM_001282225.2(ADA2):c.660C>T (p.Tyr220=)

Gene: ADA2 (adenosine deaminase 2; minus strand). Cytogenetic location: 22q11.1.
Variant type: single nucleotide variant.
Coding change: c.660C>T on transcript NM_001282225.2 (MANE Select); coding-DNA position 660, C replaced by T.
Protein change: p.Tyr220=; no amino-acid change (tyrosine 220 retained).
Molecular consequence: synonymous variant.
Genome position (GRCh38, 1-based): chr22:17,203,656, G>A on the plus strand (C>T on the coding strand, the complement: ADA2 is on the minus strand). VCF-style: chr22-17203656-G-A. GRCh37 (hg19) VCF-style: chr22-17684546-G-A.
Other names: p.Tyr220=; c.660C>T, p.Tyr220= (NM_001282226.2); c.534C>T, p.Tyr178= (NM_001282227.2, NM_001282228.2); c.300C>T, p.Tyr100= (NM_001282229.2).
Identifiers: ClinVar variation 541739 (VCV000541739.47), dbSNP rs2231487, ClinGen allele CA10088164.
Genomic context (GRCh38, chr22:17,203,656, plus strand): 5'-CACGTTGTCCTCGTAGAACTCCTGCATGCTCCGGAAGACATAGTCTCTGAACACTGGTGC[G>A]TAATGGATGAGACCAGAGATGGTGAAGAAGATGGTTTCAAATTTCGACCAGACAACATTT-3'
Protein context (NP_001269154.1, residues 210-230): IFFTISGLIH[Tyr220=]APVFRDYVFR

ClinVar aggregate classification (germline): Benign/Likely benign. Review status: criteria provided, multiple submitters, no conflicts (2 of 4 stars). 8 submissions from 8 submitters: Benign (4); Likely benign (4). Last evaluated 2026-02-04.

Conditions:
Autoinflammatory syndrome. Identifiers: Orphanet 93665, MedGen C3890737, MONDO:0019751.
Deficiency of adenosine deaminase 2. Also called: Polyarteritis nodosa, childhoood-onset; Adenosine Deaminase 2 Deficiency; VASCULITIS, AUTOINFLAMMATION, IMMUNODEFICIENCY, AND HEMATOLOGIC DEFECTS SYNDROME. Identifiers: Orphanet 404553, MedGen C3887654, MONDO:0014306, OMIM 615688, MONDO:0100317.

Allele frequency attached by ClinVar (database versions not stated): 1000 Genomes Project 0.00339; 1000 Genomes Project 30x 0.00344; gnomAD 0.00456 and 0.00500; TOPMed 0.00530; ESP Exome Variant Server 0.00600.
gnomAD v4.1: 1,530 of 1,613,894 alleles (0.095%); highest among the groups gnomAD compares: African/African-American, 1.5%; 12 homozygotes.

Submissions (8):

Labcorp Genetics (formerly Invitae), Labcorp
Classification: Benign for Deficiency of adenosine deaminase 2. Last evaluated: 2026-02-04. Review status: criteria provided, single submitter. Criteria: Invitae Variant Classification Sherloc (09022015). Collection method: clinical testing. Allele origin: germline.

Women's Health and Genetics/Laboratory Corporation of America, LabCorp
Classification: Benign. Last evaluated: 2026-01-22. Review status: criteria provided, single submitter. Criteria: LabCorp Variant Classification Summary - May 2015. Collection method: clinical testing. Allele origin: germline.

Blueprint Genetics
Classification: Likely benign. Last evaluated: 2024-09-26. Review status: criteria provided, single submitter. Criteria: ACMG Guidelines, 2015. Collection method: clinical testing. Allele origin: germline.

Mayo Clinic Laboratories, Mayo Clinic
Classification: Benign. Last evaluated: 2024-05-02. Review status: criteria provided, single submitter. Criteria: ACMG Guidelines, 2015. Collection method: clinical testing. Allele origin: germline. Observed: 2 variant alleles.
Comment: BS1, BS2, BP4, BP7

CeGaT Center for Human Genetics Tuebingen
Classification: Benign. Last evaluated: 2024-04-01. Review status: criteria provided, single submitter. Criteria: CeGaT Center For Human Genetics Tuebingen Variant Classification Criteria Version 2. Collection method: clinical testing. Allele origin: germline. Affected: yes. Observed: 1 variant allele.
Comment: ADA2: BP4, BP7, BS1, BS2

Genome Diagnostics Laboratory, The Hospital for Sick Children
Classification: Likely benign for Autoinflammatory syndrome. Last evaluated: 2021-01-27. Review status: criteria provided, single submitter. Criteria: ACMG Guidelines, 2015. Collection method: clinical testing. Allele origin: germline. Affected: yes.

ARUP Laboratories, Molecular Genetics and Genomics, ARUP Laboratories
Classification: Likely benign. Last evaluated: 2019-08-30. Review status: criteria provided, single submitter. Criteria: ARUP Molecular Germline Variant Investigation Process. Collection method: clinical testing. Allele origin: germline.

Breakthrough Genomics
Classification: Likely benign. Review status: criteria provided, single submitter. Criteria: ACMG Guidelines, 2015. Collection method: not provided. Allele origin: germline. Inheritance: Autosomal recessive inheritance. Affected: yes.